The following is an entry in ClinVar:

ClinVar aggregate classification (germline): Likely benign (1 of 4 stars; one submission).

Submission:

CeGaT Center for Human Genetics Tuebingen
Classification: Likely benign. Last evaluated: 2025-07-01. Review status: criteria provided, single submitter. Criteria: CeGaT Center For Human Genetics Tuebingen Variant Classification Criteria Version 2. Collection method: clinical testing. Allele origin: germline. Affected: yes. Observed: 1 variant allele.
Comment: FAM186A: BP4, BP7

NM_001145475.3(FAM186A):c.4392T>C (p.Ala1464=)

Gene: FAM186A (family with sequence similarity 186 member A; minus strand). Cytogenetic location: 12q13.12.
Variant type: single nucleotide variant.
Coding change: c.4392T>C on transcript NM_001145475.3 (MANE Select); coding-DNA position 4392, T replaced by C.
Protein change: p.Ala1464=; no amino-acid change (alanine 1464 retained).
Molecular consequence: synonymous variant.
Genome position (GRCh38, 1-based): chr12:50,352,440, A>G on the plus strand (T>C on the coding strand, the complement: FAM186A is on the minus strand). VCF-style: chr12-50352440-A-G. GRCh37 (hg19) VCF-style: chr12-50746223-A-G.
Identifiers: ClinVar variation 4083617 (VCV004083617.8).
Genomic context (GRCh38, chr12:50,352,440, plus strand): 5'-GATGAGAGGGATCCCCAGGGCCTGGGCCTGCTGAGGGGTGAGAGGGATCCCCAATTCCTG[A>G]GCCTGCTGAGGGGTGAGAGTGATCCCCAGCTCCTGAGCCTGCTGAGCGGTGAGAGGCATC-3'
Protein context (NP_001138947.1, residues 1454-1474): ELGITLTPQQ[Ala1464=]QELGIPLTPQ